The following is an entry in ClinVar:

ClinVar aggregate classification (germline): Conflicting classifications of pathogenicity. Review status: criteria provided, conflicting classifications (1 of 4 stars). 4 submissions from 4 submitters: Uncertain significance (3); Likely benign (1). Last evaluated 2026-01-26.

Conditions:
Long QT syndrome (LQTS). Identifiers: MedGen C0023976, MeSH D008133, MONDO:0002442. Disease mechanism: loss of function. Inheritance: Various modes of inheritance.
Cardiac arrhythmia, ankyrin-B-related. Also called: ANKYRIN-B SYNDROME. Identifiers: Orphanet 101016, Orphanet 768, MedGen C1970119, MONDO:0010958, OMIM 600919.
Cardiovascular phenotype. Identifiers: MedGen CN230736.

Allele frequency attached by ClinVar (database versions not stated): ExAC 0.00003; gnomAD exomes 0.00004; ESP Exome Variant Server 0.00015; gnomAD 0.00016 and 0.00018; TOPMed 0.00023.
gnomAD v4.1: 47 of 1,613,952 alleles (0.0029%); highest among the groups gnomAD compares: African/African-American, 0.043%; no homozygotes.

Submissions (4):

Labcorp Genetics (formerly Invitae), Labcorp
Classification: Uncertain significance for Long QT syndrome. Last evaluated: 2026-01-26. Review status: criteria provided, single submitter. Criteria: Invitae Variant Classification Sherloc (09022015). Collection method: clinical testing. Allele origin: germline.
Comment: This sequence change replaces glutamic acid, which is acidic and polar, with glutamine, which is neutral and polar, at codon 2706 of the ANK2 protein (p.Glu2706Gln). This variant is present in population databases (rs142652341, gnomAD 0.04%). This variant has not been reported in the literature in individuals affected with ANK2-related conditions. ClinVar contains an entry for this variant (Variation ID: 216527). An algorithm developed to predict the effect of missense changes on protein structure and function (PolyPhen-2) suggests that this variant is likely to be disruptive. In summary, the available evidence is currently insufficient to determine the role of this variant in disease. Therefore, it has been classified as a Variant of Uncertain Significance.

Ambry Genetics
Classification: Likely benign for Cardiovascular phenotype. Last evaluated: 2024-11-27. Review status: criteria provided, single submitter. Criteria: Ambry Variant Classification Scheme 2023. Collection method: clinical testing. Allele origin: germline.

Fulgent Genetics
Classification: Uncertain significance for Cardiac arrhythmia, ankyrin-B-related. Last evaluated: 2021-08-05. Review status: criteria provided, single submitter. Criteria: ACMG Guidelines, 2015. Collection method: clinical testing. Allele origin: unknown.

GeneDx
Classification: Uncertain significance. Last evaluated: 2020-12-22. Review status: criteria provided, single submitter. Criteria: GeneDx Variant Classification Process June 2021. Collection method: clinical testing. Allele origin: germline. Affected: yes.
Comment: Has not been previously published as pathogenic or benign to our knowledge; Reported in ClinVar as a variant of uncertain significance (ClinVar Variant ID# 216527; Landrum et al., 2016); In silico analysis supports that this missense variant does not alter protein structure/function; Located in exon 38, which is reported as being expressed in a brain-specific transcript (Otto et al, 1991; Cunha et al, 2008; Wu et al, 2015)

NM_001148.6(ANK2):c.8116G>C (p.Glu2706Gln)

Gene: ANK2 (ankyrin 2; plus strand). Cytogenetic location: 4q26.
Variant type: single nucleotide variant.
Coding change: c.8116G>C on transcript NM_001148.6 (MANE Select); coding-DNA position 8116, G replaced by C.
Protein change: p.Glu2706Gln; replaces glutamic acid 2706 with glutamine.
Molecular consequence: missense variant. On other transcripts: intron variant (68).
Genome position (GRCh38, 1-based): chr4:113,356,734, G>C. VCF-style: chr4-113356734-G-C. GRCh37 (hg19) VCF-style: chr4-114277890-G-C.
Other names: c.7882G>C, p.Glu2628Gln (NM_001386142.1); c.4516G>C, p.Glu1506Gln (NM_001386166.1); c.8257G>C, p.Glu2753Gln (NM_001386174.1); c.8233G>C, p.Glu2745Gln (NM_001386175.1); c.4412-4089G>C (NM_001386186.2, NM_001386148.2); c.4214-4089G>C (NM_001354269.3); c.4292-4089G>C (NM_001386187.2); c.4253-4089G>C (NM_001386147.1); and 35 more; short protein forms E2706Q, E1506Q, E2628Q, E2745Q, E2753Q.
Identifiers: ClinVar variation 216527 (VCV000216527.14), dbSNP rs142652341, ClinGen allele CA339295.